The following is an entry in ClinVar:

NM_003737.4(DCHS1):c.520C>A (p.Arg174Ser)

Gene: DCHS1 (dachsous cadherin-related 1; minus strand). Cytogenetic location: 11p15.4.
Variant type: single nucleotide variant.
Coding change: c.520C>A on transcript NM_003737.4 (MANE Select); coding-DNA position 520, C replaced by A.
Protein change: p.Arg174Ser; replaces arginine 174 with serine.
Molecular consequence: missense variant.
Genome position (GRCh38, 1-based): chr11:6,641,094, G>T on the plus strand (C>A on the coding strand, the complement: DCHS1 is on the minus strand). VCF-style: chr11-6641094-G-T. GRCh37 (hg19) VCF-style: chr11-6662325-G-T.
Other names: short protein forms R174S.
Identifiers: ClinVar variation 1505034 (VCV001505034.6), dbSNP rs775548805, ClinGen allele CA5861143.

ClinVar aggregate classification (germline): Uncertain significance (1 of 4 stars; one submission).

gnomAD v4.1: 2 of 1,613,814 alleles (0.00012%); highest among the groups gnomAD compares: Admixed American, 0.0033%; no homozygotes.

Submission:

Labcorp Genetics (formerly Invitae), Labcorp
Classification: Uncertain significance. Last evaluated: 2025-04-14. Review status: criteria provided, single submitter. Criteria: Invitae Variant Classification Sherloc (09022015). Collection method: clinical testing. Allele origin: germline.
Comment: This sequence change replaces arginine, which is basic and polar, with serine, which is neutral and polar, at codon 174 of the DCHS1 protein (p.Arg174Ser). This variant is present in population databases (rs775548805, gnomAD 0.007%). This variant has not been reported in the literature in individuals affected with DCHS1-related conditions. ClinVar contains an entry for this variant (Variation ID: 1505034). Invitae Evidence Modeling of protein sequence and biophysical properties (such as structural, functional, and spatial information, amino acid conservation, physicochemical variation, residue mobility, and thermodynamic stability) indicates that this missense variant is not expected to disrupt DCHS1 protein function with a negative predictive value of 95%. In summary, the available evidence is currently insufficient to determine the role of this variant in disease. Therefore, it has been classified as a Variant of Uncertain Significance.